The following is an entry in ClinVar:

NM_001029883.3(PCARE):c.721G>T (p.Glu241Ter)

Gene: PCARE (photoreceptor cilium actin regulator; minus strand). Cytogenetic location: 2p23.2.
Variant type: single nucleotide variant.
Coding change: c.721G>T on transcript NM_001029883.3 (MANE Select); coding-DNA position 721, G replaced by T.
Protein change: p.Glu241Ter; replaces glutamic acid 241 with a stop codon.
Molecular consequence: nonsense.
Genome position (GRCh38, 1-based): chr2:29,073,541, C>A on the plus strand (G>T on the coding strand, the complement: PCARE is on the minus strand). VCF-style: chr2-29073541-C-A. GRCh37 (hg19) VCF-style: chr2-29296407-C-A.
Other names: short protein forms E241*.
Identifiers: ClinVar variation 3651943 (VCV003651943.2).

ClinVar aggregate classification (germline): Pathogenic (1 of 4 stars; one submission).

gnomAD v4.1: 2 of 1,614,224 alleles (0.00012%); highest among the groups gnomAD compares: Non-Finnish European, 0.00017%; no homozygotes.

Submission:

Labcorp Genetics (formerly Invitae), Labcorp
Classification: Pathogenic. Last evaluated: 2024-05-02. Review status: criteria provided, single submitter. Criteria: Invitae Variant Classification Sherloc (09022015). Collection method: clinical testing. Allele origin: germline.
Comment: This sequence change creates a premature translational stop signal (p.Glu241*) in the PCARE gene. It is expected to result in an absent or disrupted protein product. Loss-of-function variants in PCARE are known to be pathogenic (PMID: 20398886, 24339724, 26496393). This variant is not present in population databases (gnomAD no frequency). This variant has not been reported in the literature in individuals affected with PCARE-related conditions. For these reasons, this variant has been classified as Pathogenic.

Literature cited by the submitters: PubMed 20398886; PubMed 24339724; PubMed 26496393.